The following is an entry in ClinVar:

NM_016292.3(TRAP1):c.2108G>A (p.Arg703Gln)

Genes: DNASE1 (deoxyribonuclease 1; plus strand), TRAP1 (TNF receptor associated protein 1; minus strand). Cytogenetic location: 16p13.3.
Variant type: single nucleotide variant.
Coding change: c.2108G>A on transcript NM_016292.3 (MANE Select); coding-DNA position 2108, G replaced by A.
Protein change: p.Arg703Gln; replaces arginine 703 with glutamine.
Molecular consequence: missense variant. On other transcripts: intron variant (1).
Genome position (GRCh38, 1-based): chr16:3,658,136, C>T on the plus strand (G>A on the coding strand, the complement: TRAP1 is on the minus strand). VCF-style: chr16-3658136-C-T. GRCh37 (hg19) VCF-style: chr16-3708137-C-T.
Other names: c.1949G>A, p.Arg650Gln (NM_001272049.2); c.*21+269C>T (NM_001387140.1); short protein forms R650Q, R703Q.
Identifiers: ClinVar variation 2082582 (VCV002082582.16), dbSNP rs111987725, ClinGen allele CA7867606.

ClinVar aggregate classification (germline): Uncertain significance. Review status: criteria provided, multiple submitters, no conflicts (2 of 4 stars). 2 submissions from 2 submitters: Uncertain significance (2). Last evaluated 2025-01-06.

Allele frequency attached by ClinVar (database versions not stated): TOPMed 0.00036; ESP Exome Variant Server 0.00046; 1000 Genomes Project 30x 0.00047; gnomAD 0.00041; 1000 Genomes Project 0.00060.
gnomAD v4.1: 401 of 1,613,980 alleles (0.025%); highest among the groups gnomAD compares: Middle Eastern, 0.13%; 1 homozygote.

Submissions (2):

Labcorp Genetics (formerly Invitae), Labcorp
Classification: Uncertain significance. Last evaluated: 2025-01-06. Review status: criteria provided, single submitter. Criteria: Invitae Variant Classification Sherloc (09022015). Collection method: clinical testing. Allele origin: germline.
Comment: This sequence change replaces arginine, which is basic and polar, with glutamine, which is neutral and polar, at codon 703 of the TRAP1 protein (p.Arg703Gln). This variant is present in population databases (rs111987725, gnomAD 0.07%), and has an allele count higher than expected for a pathogenic variant. This variant has not been reported in the literature in individuals affected with TRAP1-related conditions. ClinVar contains an entry for this variant (Variation ID: 2082582). An algorithm developed to predict the effect of missense changes on protein structure and function (PolyPhen-2) suggests that this variant is likely to be tolerated. In summary, the available evidence is currently insufficient to determine the role of this variant in disease. Therefore, it has been classified as a Variant of Uncertain Significance.

CeGaT Center for Human Genetics Tuebingen
Classification: Uncertain significance. Last evaluated: 2024-10-01. Review status: criteria provided, single submitter. Criteria: CeGaT Center For Human Genetics Tuebingen Variant Classification Criteria Version 2. Collection method: clinical testing. Allele origin: germline. Affected: yes. Observed: 1 variant allele.
Comment: TRAP1: PM2, BP4